The following is an entry in ClinVar:

ClinVar aggregate classification (germline): Uncertain significance (1 of 4 stars; one submission).

Submission:

ISCA site 15
Classification: Uncertain significance. Last evaluated: 2011-08-12. Review status: criteria provided, single submitter. Criteria: Kaminsky et al. (Genet Med. 2011). Collection method: clinical testing. Allele origin: unknown. Affected: yes. Observed: 1 variant allele.
Comment: Copy number variation identified through the course of routine clinical cytogenomic testing in postnatal populations. Clinical assertions have been curated as described in Kaminsky et al. 2011.

GRCh38/hg38 13q13.1(chr13:33018055-33389580)x1

Genes: KL (klotho; plus strand), LINC02344 (long intergenic non-protein coding RNA 2344; minus strand), STARD13 (StAR related lipid transfer domain containing 13; minus strand), STARD13-AS (STARD13 antisense RNA; plus strand), LOC126861732 (CDK7 strongly-dependent group 2 enhancer GRCh37_chr13:33760051-33761250; plus strand) and 13 more. Cytogenetic location: 13q13.1.
Variant type: copy number loss.
Change: copy number 1 (one copy instead of two) of chr13:33,018,055-33,389,580 (371.5 kb, GRCh38 coordinates, 1-based), cytogenetic band 13q13.1.
Identifiers: ClinVar variation 58145 (VCV000058145.1).